The following is an entry in ClinVar:

ClinVar aggregate classification (germline): Benign/Likely benign. Review status: criteria provided, multiple submitters, no conflicts (2 of 4 stars). 4 submissions from 4 submitters: Benign (1); Likely benign (2). 1 of the submissions does not count toward it. Last evaluated 2026-01-22.

Conditions:
SZT2-related disorder. Also called: SZT2-related condition.

Allele frequency attached by ClinVar (database versions not stated): gnomAD exomes 0.00014 and 0.00044; ExAC 0.00058; gnomAD 0.00171 and 0.00181; TOPMed 0.00188; ESP Exome Variant Server 0.00231; 1000 Genomes Project 30x 0.00281; 1000 Genomes Project 0.00300.
gnomAD v4.1: 480 of 1,577,098 alleles (0.03%); highest among the groups gnomAD compares: African/African-American, 0.58%; 1 homozygote.

Submissions (4):

Labcorp Genetics (formerly Invitae), Labcorp
Classification: Benign. Last evaluated: 2026-01-22. Review status: criteria provided, single submitter. Criteria: Invitae Variant Classification Sherloc (09022015). Collection method: clinical testing. Allele origin: germline.

Blueprint Genetics
Classification: Likely benign. Last evaluated: 2024-10-18. Review status: criteria provided, single submitter. Criteria: ACMG Guidelines, 2015. Collection method: clinical testing. Allele origin: germline.

Women's Health and Genetics/Laboratory Corporation of America, LabCorp
Classification: Likely benign. Last evaluated: 2024-08-07. Review status: criteria provided, single submitter. Criteria: LabCorp Variant Classification Summary - May 2015. Collection method: clinical testing. Allele origin: germline.

PreventionGenetics, part of Exact Sciences
Classification: Likely benign for SZT2-related condition. Last evaluated: 2019-05-29. Review status: no assertion criteria provided. Collection method: clinical testing. Allele origin: germline. Not counted in ClinVar's aggregate classification.
Comment: This variant is classified as likely benign based on ACMG/AMP sequence variant interpretation guidelines (Richards et al. 2015 PMID: 25741868, with internal and published modifications).

NM_001365999.1(SZT2):c.7344+9A>G

Gene: SZT2 (SZT2 subunit of KICSTOR complex; plus strand). Cytogenetic location: 1p34.2.
Variant type: single nucleotide variant.
Coding change: c.7344+9A>G on transcript NM_001365999.1 (MANE Select); 9 bases into the intron after coding-DNA position 7344, A replaced by G.
Molecular consequence: intron variant.
Genome position (GRCh38, 1-based): chr1:43,440,595, A>G. VCF-style: chr1-43440595-A-G. GRCh37 (hg19) VCF-style: chr1-43906266-A-G.
Other names: c.7173+9A>G (NM_015284.4).
Identifiers: ClinVar variation 696880 (VCV000696880.15), dbSNP rs184417929, ClinGen allele CA810196.